The following is an entry in ClinVar:

NM_001035.3(RYR2):c.1558C>T (p.Arg520Ter)

Gene: RYR2 (ryanodine receptor 2; plus strand). Cytogenetic location: 1q43.
Variant type: single nucleotide variant.
Coding change: c.1558C>T on transcript NM_001035.3 (MANE Select); coding-DNA position 1558, C replaced by T.
Protein change: p.Arg520Ter; replaces arginine 520 with a stop codon.
Molecular consequence: nonsense.
Genome position (GRCh38, 1-based): chr1:237,456,681, C>T. VCF-style: chr1-237456681-C-T. GRCh37 (hg19) VCF-style: chr1-237619981-C-T.
Other names: short protein forms R520*.
Identifiers: ClinVar variation 1332413 (VCV001332413.4), dbSNP rs749567039, ClinGen allele CA345381717.
Genomic context (GRCh38, chr1:237,456,681, plus strand): 5'-GAGTGCATAGACCGTTTGCACGTCTACAGCAGTGCAGCACACTTTGCTGATGTTGCTGGG[C>T]GAGAAGCAGGAGAGTCTTGGAAATCCATTCTGAATTCTCTGTATGAGTTGCTGGGTAAGA-3'

ClinVar aggregate classification (germline): Uncertain significance. Review status: criteria provided, multiple submitters, no conflicts (2 of 4 stars). 2 submissions from 2 submitters: Uncertain significance (2). Last evaluated 2025-07-01.

Conditions:
Cardiomyopathy (CMYO). Also called: Cardiomyopathies. Identifiers: Orphanet 167848, MedGen C0878544, MONDO:0004994, HP:0001638. Inheritance: Various modes of inheritance.

Submissions (2):

Color Diagnostics, LLC DBA Color Health
Classification: Uncertain significance for Cardiomyopathy. Last evaluated: 2025-07-01. Review status: criteria provided, single submitter. Criteria: ACMG Guidelines, 2015. Collection method: clinical testing. Allele origin: germline.
Comment: This variant changes 1 nucleotide in exon 16 of the RYR2 gene, creating a premature translation stop signal. This variant is expected to result in an absent or non-functional protein product. To our knowledge, this variant has not been reported in individuals affected with RYR2-related disorders in the literature. This variant has been identified in 2/248640 chromosomes in the general population by the Genome Aggregation Database (gnomAD). Clinical relevance of loss-of-function RYR2 truncation variants in autosomal dominant cardiovascular disorders is not clearly established. The available evidence is insufficient to determine the role of this variant in disease conclusively. Therefore, this variant is classified as a Variant of Uncertain Significance.

Blueprint Genetics
Classification: Uncertain significance. Last evaluated: 2024-11-21. Review status: criteria provided, single submitter. Criteria: ACMG Guidelines, 2015. Collection method: clinical testing. Allele origin: germline.